The following is an entry in ClinVar:

ClinVar aggregate classification (germline): Uncertain significance. Review status: criteria provided, multiple submitters, no conflicts (2 of 4 stars). 3 submissions from 3 submitters: Uncertain significance (3). Last evaluated 2025-02-25.

Conditions:
Hyper-IgE recurrent infection syndrome 3, autosomal recessive. Also called: Autosomal recessive hyper-IgE syndrome due to ZNF341 deficiency; HYPER-IgE SYNDROME 3, AUTOSOMAL RECESSIVE, WITH RECURRENT INFECTIONS. Identifiers: Orphanet 641368, MedGen C4748969, MONDO:0032654, OMIM 618282.
Inborn genetic diseases. Identifiers: MedGen C0950123, MeSH D030342.

Allele frequency attached by ClinVar (database versions not stated): ExAC 0.00004; gnomAD exomes 0.00004; gnomAD 0.00009 and 0.00010; TOPMed 0.00010.
gnomAD v4.1: 76 of 1,614,068 alleles (0.0047%); highest among the groups gnomAD compares: Admixed American, 0.018%; no homozygotes.

Submissions (3):

GeneDx
Classification: Uncertain significance. Last evaluated: 2025-02-25. Review status: criteria provided, single submitter. Criteria: GeneDx Variant Classification Process June 2021. Collection method: clinical testing. Allele origin: germline. Affected: yes.
Comment: In silico analysis supports that this missense variant has a deleterious effect on protein structure/function; Has not been previously published as pathogenic or benign to our knowledge

Ambry Genetics
Classification: Uncertain significance for Inborn genetic diseases. Last evaluated: 2024-07-10. Review status: criteria provided, single submitter. Criteria: Ambry Variant Classification Scheme 2023. Collection method: clinical testing. Allele origin: germline.

Labcorp Genetics (formerly Invitae), Labcorp
Classification: Uncertain significance for Combined immunodeficiency due to DOCK8 deficiency. Last evaluated: 2023-12-19. Review status: criteria provided, single submitter. Criteria: Invitae Variant Classification Sherloc (09022015). Collection method: clinical testing. Allele origin: germline.
Comment: This sequence change replaces arginine, which is basic and polar, with cysteine, which is neutral and slightly polar, at codon 1238 of the DOCK8 protein (p.Arg1238Cys). This variant is present in population databases (rs764380170, gnomAD 0.01%). This variant has not been reported in the literature in individuals affected with DOCK8-related conditions. ClinVar contains an entry for this variant (Variation ID: 1052162). Advanced modeling of protein sequence and biophysical properties (such as structural, functional, and spatial information, amino acid conservation, physicochemical variation, residue mobility, and thermodynamic stability) performed at Invitae indicates that this missense variant is not expected to disrupt DOCK8 protein function with a negative predictive value of 80%. In summary, the available evidence is currently insufficient to determine the role of this variant in disease. Therefore, it has been classified as a Variant of Uncertain Significance.

NM_203447.4(DOCK8):c.3712C>T (p.Arg1238Cys)

Gene: DOCK8 (dedicator of cytokinesis 8; plus strand). Cytogenetic location: 9p24.3.
Variant type: single nucleotide variant.
Coding change: c.3712C>T on transcript NM_203447.4 (MANE Select); coding-DNA position 3712, C replaced by T.
Protein change: p.Arg1238Cys; replaces arginine 1238 with cysteine.
Molecular consequence: missense variant.
Genome position (GRCh38, 1-based): chr9:418,079, C>T. VCF-style: chr9-418079-C-T. GRCh37 (hg19) VCF-style: chr9-418079-C-T.
Other names: c.3412C>T, p.Arg1138Cys (NM_001190458.2); c.3508C>T, p.Arg1170Cys (NM_001193536.2); short protein forms R1138C, R1170C, R1238C.
Identifiers: ClinVar variation 1052162 (VCV001052162.10), dbSNP rs764380170, ClinGen allele CA4958802.